The following is an entry in ClinVar:

NM_006031.6(PCNT):c.2785G>T (p.Glu929Ter)

Gene: PCNT (pericentrin; plus strand). Cytogenetic location: 21q22.3.
Variant type: single nucleotide variant.
Coding change: c.2785G>T on transcript NM_006031.6 (MANE Select); coding-DNA position 2785, G replaced by T.
Protein change: p.Glu929Ter; replaces glutamic acid 929 with a stop codon.
Molecular consequence: nonsense.
Genome position (GRCh38, 1-based): chr21:46,366,759, G>T. VCF-style: chr21-46366759-G-T. GRCh37 (hg19) VCF-style: chr21-47786674-G-T.
Other names: c.2431G>T, p.Glu811Ter (NM_001315529.2); short protein forms E929*, E811*.
Identifiers: ClinVar variation 4991367 (VCV004991367.1).

ClinVar aggregate classification (germline): Likely pathogenic (1 of 4 stars; one submission).

Conditions:
PCNT-related disorder. Also called: PCNT-related condition.

Submission:

PreventionGenetics, part of Exact Sciences
Classification: Likely pathogenic for PCNT-related condition. Last evaluated: 2025-09-16. Review status: criteria provided, single submitter. Criteria: ACMG Guidelines, 2015. Collection method: clinical testing. Allele origin: germline.
Comment: The PCNT c.2785G>T variant is predicted to result in premature protein termination (p.Glu929*). To our knowledge, this variant has not been reported in the literature or in a large population database (gnomAD), indicating this variant is rare. Nonsense variants in PCNT are expected to be pathogenic. This variant is interpreted as likely pathogenic.